The following is an entry in ClinVar:

NM_005732.4(RAD50):c.3413T>C (p.Met1138Thr)

Genes: RAD50 (RAD50 double strand break repair protein; plus strand), TH2-LCR (Th2 cytokine locus control region; plus strand), TH2LCRR (T helper type 2 locus control region associated RNA; minus strand). Cytogenetic location: 5q31.1.
Variant type: single nucleotide variant.
Coding change: c.3413T>C on transcript NM_005732.4 (MANE Select); coding-DNA position 3413, T replaced by C.
Protein change: p.Met1138Thr; replaces methionine 1138 with threonine.
Molecular consequence: missense variant.
Genome position (GRCh38, 1-based): chr5:132,637,138, T>C. VCF-style: chr5-132637138-T-C. GRCh37 (hg19) VCF-style: chr5-131972830-T-C.
Other names: short protein forms M1138T.
Identifiers: ClinVar variation 1509333 (VCV001509333.8), dbSNP rs2149862716, ClinGen allele CA360929925.
Genomic context (GRCh38, chr5:132,637,138, plus strand): 5'-TTTATATATATGAAGTACCAATGACTTCCTTTTCCAGAGCAATAATGAAATTTCACAGTA[T>C]GAAAATGGAAGAAATCAATAAAATTATACGTGACCTGTGGCGAAGTACCTATCGTGGACA-3'
Protein context (NP_005723.2, residues 1128-1148): LDQAIMKFHS[Met1138Thr]KMEEINKIIR

ClinVar aggregate classification (germline): Uncertain significance (1 of 4 stars; one submission).

Conditions:
Hereditary cancer-predisposing syndrome. Also called: Hereditary neoplastic syndrome; Neoplastic Syndromes, Hereditary; Tumor predisposition; Hereditary Cancer Syndrome. Identifiers: Orphanet 140162, MedGen C0027672, MeSH D009386, MONDO:0015356.

Submission:

Labcorp Genetics (formerly Invitae), Labcorp
Classification: Uncertain significance for Hereditary cancer-predisposing syndrome. Last evaluated: 2020-12-18. Review status: criteria provided, single submitter. Criteria: Invitae Variant Classification Sherloc (09022015). Collection method: clinical testing. Allele origin: germline.
Comment: Algorithms developed to predict the effect of missense changes on protein structure and function (SIFT, PolyPhen-2, Align-GVGD) all suggest that this variant is likely to be tolerated, but these predictions have not been confirmed by published functional studies and their clinical significance is uncertain. This sequence change replaces methionine with threonine at codon 1138 of the RAD50 protein (p.Met1138Thr). The methionine residue is moderately conserved and there is a moderate physicochemical difference between methionine and threonine. This variant is not present in population databases (ExAC no frequency). This variant has not been reported in the literature in individuals with RAD50-related conditions. In summary, the available evidence is currently insufficient to determine the role of this variant in disease. Therefore, it has been classified as a Variant of Uncertain Significance.